The following is an entry in ClinVar:

ClinVar aggregate classification (germline): Benign. Review status: criteria provided, single submitter (1 of 4 stars). 2 submissions from 2 submitters: Benign (1). 1 of the submissions does not count toward it. Last evaluated 2019-12-31.

Conditions:
PDE11A-related disorder. Also called: PDE11A-related condition.

Allele frequency attached by ClinVar (database versions not stated): gnomAD exomes 0.00093; 1000 Genomes Project 0.00300; gnomAD 0.00341; ESP Exome Variant Server 0.00415; TOPMed 0.00454; ExAC 0.00098; 1000 Genomes Project 30x 0.00265.
gnomAD v4.1: 1,121 of 1,612,146 alleles (0.07%); highest among the groups gnomAD compares: African/African-American, 1.3%; 10 homozygotes.

Submissions (2):

Labcorp Genetics (formerly Invitae), Labcorp
Classification: Benign. Last evaluated: 2019-12-31. Review status: criteria provided, single submitter. Criteria: Invitae Variant Classification Sherloc (09022015). Collection method: clinical testing. Allele origin: germline.

PreventionGenetics, part of Exact Sciences
Classification: Benign for PDE11A-related condition. Last evaluated: 2019-09-17. Review status: no assertion criteria provided. Collection method: clinical testing. Allele origin: germline. Not counted in ClinVar's aggregate classification.
Comment: This variant is classified as benign based on ACMG/AMP sequence variant interpretation guidelines (Richards et al. 2015 PMID: 25741868, with internal and published modifications).

NM_016953.4(PDE11A):c.1854C>T (p.Leu618=)

Gene: PDE11A (phosphodiesterase 11A; minus strand). Cytogenetic location: 2q31.2.
Variant type: single nucleotide variant.
Coding change: c.1854C>T on transcript NM_016953.4 (MANE Select); coding-DNA position 1854, C replaced by T.
Protein change: p.Leu618=; no amino-acid change (leucine 618 retained).
Molecular consequence: synonymous variant.
Genome position (GRCh38, 1-based): chr2:177,728,107, G>A on the plus strand (C>T on the coding strand, the complement: PDE11A is on the minus strand). VCF-style: chr2-177728107-G-A. GRCh37 (hg19) VCF-style: chr2-178592835-G-A.
Other names: c.522C>T, p.Leu174= (NM_001077196.2); c.1104C>T, p.Leu368= (NM_001077197.2); c.780C>T, p.Leu260= (NM_001077358.2).
Identifiers: ClinVar variation 788478 (VCV000788478.6), dbSNP rs139784666, ClinGen allele CA1981797.